The following is an entry in ClinVar:

ClinVar aggregate classification (germline): Uncertain significance (1 of 4 stars; one submission).

Submission:

Labcorp Genetics (formerly Invitae), Labcorp
Classification: Uncertain significance. Last evaluated: 2024-07-23. Review status: criteria provided, single submitter. Criteria: Invitae Variant Classification Sherloc (09022015). Collection method: clinical testing. Allele origin: germline.
Comment: This sequence change replaces asparagine, which is neutral and polar, with histidine, which is basic and polar, at codon 986 of the KMT2E protein (p.Asn986His). This variant is not present in population databases (gnomAD no frequency). This variant has not been reported in the literature in individuals affected with KMT2E-related conditions. Advanced modeling of protein sequence and biophysical properties (such as structural, functional, and spatial information, amino acid conservation, physicochemical variation, residue mobility, and thermodynamic stability) has been performed at Invitae for this missense variant, however the output from this modeling did not meet the statistical confidence thresholds required to predict the impact of this variant on KMT2E protein function. In summary, the available evidence is currently insufficient to determine the role of this variant in disease. Therefore, it has been classified as a Variant of Uncertain Significance.

NM_182931.3(KMT2E):c.2956A>C (p.Asn986His)

Gene: KMT2E (lysine methyltransferase 2E (inactive); plus strand). Cytogenetic location: 7q22.3.
Variant type: single nucleotide variant.
Coding change: c.2956A>C on transcript NM_182931.3 (MANE Select); coding-DNA position 2956, A replaced by C.
Protein change: p.Asn986His; replaces asparagine 986 with histidine.
Molecular consequence: missense variant.
Genome position (GRCh38, 1-based): chr7:105,107,413, A>C. VCF-style: chr7-105107413-A-C. GRCh37 (hg19) VCF-style: chr7-104747860-A-C.
Other names: c.2956A>C, p.Asn986His (NM_001410908.1, NM_018682.4); short protein forms N986H.
Identifiers: ClinVar variation 3687809 (VCV003687809.2).